The following is an entry in ClinVar:

NM_014714.4(IFT140):c.3602G>T (p.Arg1201Leu)

Gene: IFT140 (intraflagellar transport 140; minus strand). Cytogenetic location: 16p13.3.
Variant type: single nucleotide variant.
Coding change: c.3602G>T on transcript NM_014714.4 (MANE Select); coding-DNA position 3602, G replaced by T.
Protein change: p.Arg1201Leu; replaces arginine 1201 with leucine.
Molecular consequence: missense variant.
Genome position (GRCh38, 1-based): chr16:1,520,660, C>A on the plus strand (G>T on the coding strand, the complement: IFT140 is on the minus strand). VCF-style: chr16-1520660-C-A. GRCh37 (hg19) VCF-style: chr16-1570661-C-A.
Other names: short protein forms R1201L.
Identifiers: ClinVar variation 942492 (VCV000942492.7), dbSNP rs147292597, ClinGen allele CA394224811.

ClinVar aggregate classification (germline): Uncertain significance. Review status: criteria provided, multiple submitters, no conflicts (2 of 4 stars). 2 submissions from 2 submitters: Uncertain significance (2). Last evaluated 2023-07-17.

Conditions:
Saldino-Mainzer syndrome (SRTD9). Also called: CONORENAL SYNDROME; SHORT-RIB THORACIC DYSPLASIA 9 WITHOUT POLYDACTYLY; short-rib thoracic dysplasia 9 with or without polydactyly; Renal dysplasia, retinal pigmentary dystrophy, cerebellar ataxia and skeletal dysplasia. Identifiers: Orphanet 140969, MedGen C1849437, MONDO:0009964, OMIM 266920.
Inborn genetic diseases. Identifiers: MedGen C0950123, MeSH D030342.

gnomAD v4.1: 1 of 1,604,730 alleles (0.000062%); no homozygotes.

Submissions (2):

Labcorp Genetics (formerly Invitae), Labcorp
Classification: Uncertain significance for Saldino-Mainzer syndrome. Last evaluated: 2023-07-17. Review status: criteria provided, single submitter. Criteria: Invitae Variant Classification Sherloc (09022015). Collection method: clinical testing. Allele origin: germline.
Comment: This sequence change replaces arginine, which is basic and polar, with leucine, which is neutral and non-polar, at codon 1201 of the IFT140 protein (p.Arg1201Leu). This variant is not present in population databases (gnomAD no frequency). This variant has not been reported in the literature in individuals affected with IFT140-related conditions. ClinVar contains an entry for this variant (Variation ID: 942492). Advanced modeling of protein sequence and biophysical properties (such as structural, functional, and spatial information, amino acid conservation, physicochemical variation, residue mobility, and thermodynamic stability) performed at Invitae indicates that this missense variant is not expected to disrupt IFT140 protein function. In summary, the available evidence is currently insufficient to determine the role of this variant in disease. Therefore, it has been classified as a Variant of Uncertain Significance.

Ambry Genetics
Classification: Uncertain significance for Inborn genetic diseases. Last evaluated: 2023-05-31. Review status: criteria provided, single submitter. Criteria: Ambry Variant Classification Scheme 2023. Collection method: clinical testing. Allele origin: germline.